The following is an entry in ClinVar:

NM_173354.5(SIK1):c.2052T>G (p.Phe684Leu)

Gene: SIK1 (salt inducible kinase 1; minus strand). Cytogenetic location: 21q22.3.
Variant type: single nucleotide variant.
Coding change: c.2052T>G on transcript NM_173354.5 (MANE Select); coding-DNA position 2052, T replaced by G.
Protein change: p.Phe684Leu; replaces phenylalanine 684 with leucine.
Molecular consequence: missense variant.
Genome position (GRCh38, 1-based): chr21:43,417,042, A>C on the plus strand (T>G on the coding strand, the complement: SIK1 is on the minus strand). VCF-style: chr21-43417042-A-C. GRCh37 (hg19) VCF-style: chr21-44836922-A-C.
Other names: short protein forms F684L.
Identifiers: ClinVar variation 1054755 (VCV001054755.10), dbSNP rs929370860, ClinGen allele CA321324505.

ClinVar aggregate classification (germline): Uncertain significance. Review status: criteria provided, multiple submitters, no conflicts (2 of 4 stars). 2 submissions from 2 submitters: Uncertain significance (2). Last evaluated 2024-04-23.

Conditions:
Developmental and epileptic encephalopathy, 30 (DEE30). Also called: Epileptic encephalopathy, early infantile, 30. Identifiers: MedGen C4225360, MONDO:0014595, OMIM 616341.

Submissions (2):

Women's Health and Genetics/Laboratory Corporation of America, LabCorp
Classification: Uncertain significance. Last evaluated: 2024-04-23. Review status: criteria provided, single submitter. Criteria: LabCorp Variant Classification Summary - May 2015. Collection method: clinical testing. Allele origin: germline.
Comment: Variant summary: SIK1 c.2052T>G (p.Phe684Leu) results in a non-conservative amino acid change in the encoded protein sequence. Three of five in-silico tools predict a benign effect of the variant on protein function. The frequency data for this variant in gnomAD is considered unreliable, as metrics indicate poor data quality at this position. To our knowledge, no occurrence of c.2052T>G in individuals affected with Developmental And Epileptic Encephalopathy, 30 and no experimental evidence demonstrating its impact on protein function have been reported. ClinVar contains an entry for this variant (Variation ID: 1054755). Based on the evidence outlined above, the variant was classified as uncertain significance.

Labcorp Genetics (formerly Invitae), Labcorp
Classification: Uncertain significance for Developmental and epileptic encephalopathy, 30. Last evaluated: 2022-03-19. Review status: criteria provided, single submitter. Criteria: Invitae Variant Classification Sherloc (09022015). Collection method: clinical testing. Allele origin: germline.
Comment: In summary, the available evidence is currently insufficient to determine the role of this variant in disease. Therefore, it has been classified as a Variant of Uncertain Significance. Algorithms developed to predict the effect of missense changes on protein structure and function output the following: SIFT: "Tolerated"; PolyPhen-2: "Benign"; Align-GVGD: "Class C0". The leucine amino acid residue is found in multiple mammalian species, which suggests that this missense change does not adversely affect protein function. ClinVar contains an entry for this variant (Variation ID: 1054755). This variant has not been reported in the literature in individuals affected with SIK1-related conditions. This variant is not present in population databases (gnomAD no frequency). This sequence change replaces phenylalanine, which is neutral and non-polar, with leucine, which is neutral and non-polar, at codon 684 of the SIK1 protein (p.Phe684Leu).